The following is an entry in ClinVar:

NR_003137.3(RNU4-2):n.125G>A

Gene: RNU4-2 (RNA, U4 small nuclear 2; minus strand). Cytogenetic location: 12q24.23.
Variant type: single nucleotide variant.
Molecular consequence: non-coding transcript variant (on NR_003137.3).
Genome position: GRCh38 VCF-style: chr12-120291779-C-T. GRCh37 (hg19) VCF-style: chr12-120729582-C-T.
Identifiers: ClinVar variation 4795825 (VCV004795825.1).

ClinVar aggregate classification (germline): Uncertain significance (1 of 4 stars; one submission).

Conditions:
Neurodevelopmental disorder with hypotonia, brain anomalies, distinctive facies, and absent language. Also called: ReNU SYNDROME; RNU4-2–Related Autosomal Dominant Neurodevelopmental Disorder; RNU4-2-Related Neurodevelopmental Disorder. Identifiers: Orphanet 686488, MedGen C5935628, MONDO:0971172, OMIM 620851.

gnomAD v4.1: 2 of 152,246 alleles (0.0013%); highest among the groups gnomAD compares: African/African-American, 0.0048%; no homozygotes.

Submission:

Centre for Population Genomics, CPG
Classification: Uncertain significance for RNU4-2-Related Neurodevelopmental Disorder. Last evaluated: 2026-02-11. Review status: criteria provided, single submitter. Criteria: Ellingford et al. (Genome Med. 2022). Collection method: research. Allele origin: germline. Inheritance: Autosomal recessive inheritance. Affected: yes. Observed: 1 variant allele, 1 compound heterozygote.
Comment: PM2_supp,PS3_supp,PM1